The following is an entry in ClinVar:

ClinVar aggregate classification (germline): Uncertain significance (1 of 4 stars; one submission).

Submission:

GeneDx
Classification: Uncertain significance. Last evaluated: 2024-08-13. Review status: criteria provided, single submitter. Criteria: GeneDx Variant Classification Process June 2021. Collection method: clinical testing. Allele origin: germline. Affected: yes.
Comment: Not observed at significant frequency in large population cohorts (gnomAD); In silico analysis indicates that this missense variant does not alter protein structure/function; Has not been previously published as pathogenic or benign to our knowledge

NM_002465.4(MYBPC1):c.2848G>A (p.Val950Ile)

Gene: MYBPC1 (myosin binding protein C1; plus strand). Cytogenetic location: 12q23.2.
Variant type: single nucleotide variant.
Coding change: c.2848G>A on transcript NM_002465.4 (MANE Select); coding-DNA position 2848, G replaced by A.
Protein change: p.Val950Ile; replaces valine 950 with isoleucine.
Molecular consequence: missense variant.
Genome position (GRCh38, 1-based): chr12:101,675,330, G>A. VCF-style: chr12-101675330-G-A. GRCh37 (hg19) VCF-style: chr12-102069108-G-A.
Other names: c.2737G>A, p.Val913Ile (NM_001254720.3); c.2716G>A, p.Val906Ile (NM_001254721.3, NM_001404678.1, NM_001404676.1); c.2638G>A, p.Val880Ile (NM_001404677.1, NM_001404679.1, NM_001404681.1); c.2695G>A, p.Val899Ile (NM_001254722.3, NM_001404680.1); c.2734G>A, p.Val912Ile (NM_001254723.3); c.2848G>A, p.Val950Ile (NM_001404675.1, NM_206819.4); c.2827G>A, p.Val943Ile (NM_001254718.3, NM_206820.4); c.2773G>A, p.Val925Ile (NM_001254719.3, NM_206821.4); short protein forms V899I, V912I, V925I, V913I, V880I, V906I, V943I, V950I.
Identifiers: ClinVar variation 3731181 (VCV003731181.1).